The following is an entry in ClinVar:

NM_005431.2(XRCC2):c.668A>G (p.Tyr223Cys)

Gene: XRCC2 (X-ray repair cross complementing 2; minus strand). Cytogenetic location: 7q36.1.
Variant type: single nucleotide variant.
Coding change: c.668A>G on transcript NM_005431.2 (MANE Select); coding-DNA position 668, A replaced by G.
Protein change: p.Tyr223Cys; replaces tyrosine 223 with cysteine.
Molecular consequence: missense variant.
Genome position (GRCh38, 1-based): chr7:152,648,817, T>C on the plus strand (A>G on the coding strand, the complement: XRCC2 is on the minus strand). VCF-style: chr7-152648817-T-C. GRCh37 (hg19) VCF-style: chr7-152345902-T-C.
Other names: short protein forms Y223C.
Identifiers: ClinVar variation 1754888 (VCV001754888.2), dbSNP rs2485880617, ClinGen allele CA370198210.

ClinVar aggregate classification (germline): Uncertain significance (1 of 4 stars; one submission).

Conditions:
Hereditary cancer-predisposing syndrome. Also called: Neoplastic Syndromes, Hereditary; Tumor predisposition; Hereditary Cancer Syndrome; Hereditary neoplastic syndrome. Identifiers: Orphanet 140162, MedGen C0027672, MeSH D009386, MONDO:0015356.

Allele frequency attached by ClinVar (database versions not stated): gnomAD exomes below 0.00001.
gnomAD v4.1: 5 of 1,614,152 alleles (0.00031%); highest among the groups gnomAD compares: Non-Finnish European, 0.00042%; no homozygotes.

Submission:

Ambry Genetics
Classification: Uncertain significance for Hereditary cancer-predisposing syndrome. Last evaluated: 2020-06-09. Review status: criteria provided, single submitter. Criteria: Ambry Variant Classification Scheme 2023. Collection method: clinical testing. Allele origin: germline.
Comment: The p.Y223C variant (also known as c.668A>G), located in coding exon 3 of the XRCC2 gene, results from an A to G substitution at nucleotide position 668. The tyrosine at codon 223 is replaced by cysteine, an amino acid with highly dissimilar properties. This amino acid position is highly conserved in available vertebrate species. In addition, the in silico prediction for this alteration is inconclusive. Since supporting evidence is limited at this time, the clinical significance of this alteration remains unclear.